The following is an entry in ClinVar:

NM_000478.6(ALPL):c.88C>T (p.Arg30Ter)

Gene: ALPL (alkaline phosphatase, biomineralization associated; plus strand). Cytogenetic location: 1p36.12.
Variant type: single nucleotide variant.
Coding change: c.88C>T on transcript NM_000478.6 (MANE Select); coding-DNA position 88, C replaced by T.
Protein change: p.Arg30Ter; replaces arginine 30 with a stop codon.
Molecular consequence: nonsense. On other transcripts: 5 prime UTR variant (2).
Genome position (GRCh38, 1-based): chr1:21,560,652, C>T. VCF-style: chr1-21560652-C-T. GRCh37 (hg19) VCF-style: chr1-21887145-C-T.
Other names: c.-78C>T (NM_001127501.4); c.-28C>T (NM_001177520.3); c.88C>T, p.Arg30Ter (NM_001369803.2, NM_001369804.2, NM_001369805.2); short protein forms R30*.
Identifiers: ClinVar variation 370232 (VCV000370232.19), dbSNP rs1057516334, ClinGen allele CA16040712.

ClinVar aggregate classification (germline): Pathogenic. Review status: criteria provided, multiple submitters, no conflicts (2 of 4 stars). 8 submissions from 8 submitters: Pathogenic (7). 1 of the submissions does not count toward it. Last evaluated 2026-06-29.

Conditions:
Hypophosphatasia. Also called: Phosphoethanol-aminuria. Identifiers: Orphanet 436, MedGen C0020630, MeSH D007014, MONDO:0018570.
Infantile hypophosphatasia. Identifiers: Orphanet 247651, Orphanet 436, MedGen C0268412, MONDO:1010169, OMIM 241500, MONDO:0009427.
ALPL-related disorder. Also called: ALPL-related condition; ALPL-related disorders.
Childhood hypophosphatasia. Identifiers: Orphanet 247667, Orphanet 436, MedGen C0220743, MONDO:1010168, OMIM 241510, MONDO:0009428.
Adult hypophosphatasia. Identifiers: Orphanet 247676, Orphanet 436, MedGen C0268413, MONDO:1010154, OMIM 146300, MONDO:0007798.

Allele frequency attached by ClinVar (database versions not stated): gnomAD exomes below 0.00001; gnomAD 0.00001.
gnomAD v4.1: 9 of 1,613,986 alleles (0.00056%); highest among the groups gnomAD compares: African/African-American, 0.0013%; no homozygotes.

Submissions (8):

PreventionGenetics, part of Exact Sciences
Classification: Pathogenic for ALPL-related condition. Last evaluated: 2026-06-29. Review status: criteria provided, single submitter. Criteria: ACMG Guidelines, 2015. Collection method: clinical testing. Allele origin: germline.
Comment: The ALPL c.88C>T variant is predicted to result in premature protein termination (p.Arg30*). This variant has been reported in the compound heterozygous state in two individuals with hypophosphatasia (Matsushita et al 2014. PubMed ID: 24145968; Noda et al. 2025. PubMed ID: 39925621). This variant is interpreted as likely pathogenic/pathogenic in ALPL mutation database and ClinVar. This variant has not been reported in a large population database, indicating this variant is rare. Nonsense variants in ALPL are expected to be pathogenic. This variant is interpreted as pathogenic.

Natera, Inc.
Classification: Pathogenic for Hypophosphatasia. Last evaluated: 2025-12-12. Review status: criteria provided, single submitter. Criteria: Natera Variant Classification Schema (03/2026). Collection method: clinical testing. Allele origin: germline.
Comment: The c.88C>T variant in ALPL is a nonsense variant predicted to introduce a stop codon at amino acid 30. This variant is expected to result in nonsense mediated decay, truncation, or a dysfunctional protein product. This variant is rare in the general population with a frequency below the threshold expected for the associated phenotype(s). This variant has been observed in one or more individuals affected with the associated recessive disease, as either homozygous or compound heterozygous with a second variant (PMID: 33446953). Given the available evidence, this variant is classified as Pathogenic.

Genomenon, Inc
Classification: Pathogenic for Hypophosphatasia. Last evaluated: 2025-08-29. Review status: criteria provided, single submitter. Criteria: Genomenon Sequence Variant Interpretation Standards. Collection method: curation. Allele origin: germline. Affected: yes.
Comment: ALPL p.Arg30Ter (c.88C>T) is a nonsense variant that introduces a premature stop codon at amino acid position 30, creating a truncated protein that may be subject to nonsense-mediated mRNA decay. This variant has been observed in at least one proband affected with hypophosphatasia (PMID:36514157;24145968). It is absent or not present at a significant frequency in gnomAD. In conclusion, we classify ALPL p.Arg30Ter (c.88C>T) as a pathogenic variant.

Labcorp Genetics (formerly Invitae), Labcorp
Classification: Pathogenic. Last evaluated: 2025-07-14. Review status: criteria provided, single submitter. Criteria: Invitae Variant Classification Sherloc (09022015). Collection method: clinical testing. Allele origin: germline.
Comment: This sequence change creates a premature translational stop signal (p.Arg30*) in the ALPL gene. It is expected to result in an absent or disrupted protein product. Loss-of-function variants in ALPL are known to be pathogenic (PMID: 3174660, 10679946, 32973344, 33814268). This variant is not present in population databases (gnomAD no frequency). This premature translational stop signal has been observed in individual(s) with hypophosphatasia (PMID: 24145968). ClinVar contains an entry for this variant (Variation ID: 370232). For these reasons, this variant has been classified as Pathogenic.

Women's Health and Genetics/Laboratory Corporation of America, LabCorp
Classification: Pathogenic for Hypophosphatasia. Last evaluated: 2025-05-13. Review status: criteria provided, single submitter. Criteria: LabCorp Variant Classification Summary - May 2015. Collection method: clinical testing. Allele origin: germline.
Comment: Variant summary: ALPL c.88C>T (p.Arg30X) results in a premature termination codon, predicted to cause a truncation of the encoded protein or absence of the protein due to nonsense mediated decay, which are commonly known mechanisms for disease. The variant was absent in 251466 control chromosomes. c.88C>T has been observed in at least one compound heterozygous individual affected with Hypophosphatasia (e.g. Matsushita_2014). To our knowledge, no experimental evidence demonstrating an impact on protein function has been reported. The following publication has been ascertained in the context of this evaluation (PMID: 24145968). ClinVar contains an entry for this variant (Variation ID: 370232). Based on the evidence outlined above, the variant was classified as pathogenic.

Fulgent Genetics
Classification: Pathogenic for Adult hypophosphatasia; Infantile hypophosphatasia; Childhood hypophosphatasia. Last evaluated: 2021-11-09. Review status: criteria provided, single submitter. Criteria: ACMG Guidelines, 2015. Collection method: clinical testing. Allele origin: unknown.

Juno Genomics, Hangzhou Juno Genomics, Inc
Classification: Pathogenic for Adult hypophosphatasia; Childhood hypophosphatasia; Infantile hypophosphatasia. Review status: criteria provided, single submitter. Criteria: ACMG Guidelines, 2015. Collection method: clinical testing. Allele origin: germline.
Comment: Null variant in a gene where loss of function (LOF) is a known mechanism of disease.;Absent from controls (or at extremely low frequency if recessive) in Genome Aggregation Database.;For recessive disorders, detected in trans with a pathogenic variant.;The prevalence of the variant in affected individuals is significantly increased compared to the prevalence in controls.;Patient's phenotype or family history is highly specific for a disease with a single genetic etiology.

Counsyl
Classification: Likely pathogenic for Infantile hypophosphatasia. Last evaluated: 2015-12-28. Review status: no assertion criteria provided. Collection method: clinical testing. Allele origin: unknown. Not counted in ClinVar's aggregate classification.

Literature cited by the submitters: PubMed 33446953 (cited by Natera, Inc.); PubMed 36514157 (cited by Genomenon, Inc); PubMed 24145968 (cited by 4 submitters); PubMed 3174660 (cited by Labcorp Genetics (formerly Invitae), Labcorp); PubMed 10679946 (cited by Labcorp Genetics (formerly Invitae), Labcorp); PubMed 32973344 (cited by Labcorp Genetics (formerly Invitae), Labcorp); PubMed 33814268 (cited by Labcorp Genetics (formerly Invitae), Labcorp).